The following is an entry in ClinVar:

NM_021076.4(NEFH):c.2050G>T (p.Val684Leu)

Gene: NEFH (neurofilament heavy chain; plus strand). Cytogenetic location: 22q12.2.
Variant type: single nucleotide variant.
Coding change: c.2050G>T on transcript NM_021076.4 (MANE Select); coding-DNA position 2050, G replaced by T.
Protein change: p.Val684Leu; replaces valine 684 with leucine.
Molecular consequence: missense variant.
Genome position (GRCh38, 1-based): chr22:29,489,690, G>T. VCF-style: chr22-29489690-G-T. GRCh37 (hg19) VCF-style: chr22-29885679-G-T.
Other names: short protein forms V684L.
Identifiers: ClinVar variation 2997687 (VCV002997687.4), dbSNP rs755006359, ClinGen allele CA10174353.

ClinVar aggregate classification (germline): Uncertain significance. Review status: criteria provided, multiple submitters, no conflicts (2 of 4 stars). 2 submissions from 2 submitters: Uncertain significance (2). Last evaluated 2025-05-13.

Allele frequency attached by ClinVar (database versions not stated): ExAC 0.00001.

Submissions (2):

Women's Health and Genetics/Laboratory Corporation of America, LabCorp
Classification: Uncertain significance. Last evaluated: 2025-05-13. Review status: criteria provided, single submitter. Criteria: LabCorp Variant Classification Summary - May 2015. Collection method: clinical testing. Allele origin: germline.
Comment: Variant summary: NEFH c.2050G>T (p.Val684Leu) results in a conservative amino acid change in the encoded protein sequence. Algorithms developed to predict the effect of missense changes on protein structure and function all suggest that this variant is likely to be tolerated. The variant was absent in 251042 control chromosomes. The available data on variant occurrences in the general population are insufficient to allow any conclusion about variant significance. To our knowledge, no occurrence of c.2050G>T in individuals affected with Charcot-Marie-Tooth disease axonal type 2CC and no experimental evidence demonstrating its impact on protein function have been reported. ClinVar contains an entry for this variant (Variation ID: 2997687). Based on the evidence outlined above, the variant was classified as uncertain significance.

Labcorp Genetics (formerly Invitae), Labcorp
Classification: Uncertain significance. Last evaluated: 2024-03-26. Review status: criteria provided, single submitter. Criteria: Invitae Variant Classification Sherloc (09022015). Collection method: clinical testing. Allele origin: germline.
Comment: This sequence change replaces valine, which is neutral and non-polar, with leucine, which is neutral and non-polar, at codon 684 of the NEFH protein (p.Val684Leu). This variant is not present in population databases (gnomAD no frequency). This variant has not been reported in the literature in individuals affected with NEFH-related conditions. Advanced modeling of protein sequence and biophysical properties (such as structural, functional, and spatial information, amino acid conservation, physicochemical variation, residue mobility, and thermodynamic stability) performed at Invitae indicates that this missense variant is not expected to disrupt NEFH protein function with a negative predictive value of 95%. In summary, the available evidence is currently insufficient to determine the role of this variant in disease. Therefore, it has been classified as a Variant of Uncertain Significance.